The following is an entry in ClinVar:

ClinVar aggregate classification (germline): Uncertain significance. Review status: criteria provided, multiple submitters, no conflicts (2 of 4 stars). 2 submissions from 2 submitters: Uncertain significance (2). Last evaluated 2026-07-27.

Conditions:
Hereditary cancer-predisposing syndrome. Also called: Hereditary Cancer Syndrome; Hereditary neoplastic syndrome; Neoplastic Syndromes, Hereditary; Tumor predisposition. Identifiers: Orphanet 140162, MedGen C0027672, MeSH D009386, MONDO:0015356.

Submissions (2):

Ambry Genetics
Classification: Uncertain significance for Hereditary cancer-predisposing syndrome. Last evaluated: 2026-07-27. Review status: criteria provided, single submitter. Criteria: Ambry Variant Classification Scheme 2023. Collection method: clinical testing. Allele origin: germline.
Comment: The p.C1445R variant (also known as c.4333T>C), located in coding exon 34 of the POLE gene, results from a T to C substitution at nucleotide position 4333. The cysteine at codon 1445 is replaced by arginine, an amino acid with highly dissimilar properties. This amino acid position is conserved. In addition, this alteration is predicted to be deleterious by in silico analysis. Based on the available evidence, the clinical significance of this variant remains unclear.

Labcorp Genetics (formerly Invitae), Labcorp
Classification: Uncertain significance. Last evaluated: 2026-02-01. Review status: criteria provided, single submitter. Criteria: Invitae Variant Classification Sherloc (09022015). Collection method: clinical testing. Allele origin: germline.
Comment: This sequence change replaces cysteine, which is neutral and slightly polar, with arginine, which is basic and polar, at codon 1445 of the POLE protein (p.Cys1445Arg). This variant is not present in population databases (gnomAD no frequency). This variant has not been reported in the literature in individuals affected with POLE-related conditions. Invitae Evidence Modeling of protein sequence and biophysical properties (such as structural, functional, and spatial information, amino acid conservation, physicochemical variation, residue mobility, and thermodynamic stability) indicates that this missense variant is not expected to disrupt POLE protein function with a negative predictive value of 80%. In summary, the available evidence is currently insufficient to determine the role of this variant in disease. Therefore, it has been classified as a Variant of Uncertain Significance.

NM_006231.4(POLE):c.4333T>C (p.Cys1445Arg)

Gene: POLE (DNA polymerase epsilon, catalytic subunit; minus strand). Cytogenetic location: 12q24.33.
Variant type: single nucleotide variant.
Coding change: c.4333T>C on transcript NM_006231.4 (MANE Select); coding-DNA position 4333, T replaced by C.
Protein change: p.Cys1445Arg; replaces cysteine 1445 with arginine.
Molecular consequence: missense variant.
Genome position (GRCh38, 1-based): chr12:132,643,518, A>G on the plus strand (T>C on the coding strand, the complement: POLE is on the minus strand). VCF-style: chr12-132643518-A-G. GRCh37 (hg19) VCF-style: chr12-133220104-A-G.
Other names: c.4333T>C (NM_006231.2); short protein forms C1445R.
Identifiers: ClinVar variation 4745551 (VCV004745551.3).